The following is an entry in ClinVar:

ClinVar aggregate classification (germline): Conflicting classifications of pathogenicity. Review status: criteria provided, conflicting classifications (1 of 4 stars). 3 submissions from 3 submitters: Uncertain significance (1); Likely benign (2). Last evaluated 2026-02-16.

Conditions:
BBS10-related disorder. Also called: BBS10-related condition.
Bardet-Biedl syndrome (BBS). Identifiers: Orphanet 110, MedGen C0752166, MONDO:0015229.
Bardet-Biedl syndrome 10 (BBS10). Identifiers: Orphanet 110, MedGen C1859568, MONDO:0014438, OMIM 615987.

Allele frequency attached by ClinVar (database versions not stated): gnomAD exomes below 0.00001 and 0.00007; gnomAD 0.00001 and 0.00002; TOPMed 0.00001; ExAC 0.00002; 1000 Genomes Project 30x 0.00016; 1000 Genomes Project 0.00020.
gnomAD v4.1: 98 of 1,610,610 alleles (0.0061%); highest among the groups gnomAD compares: East Asian, 0.22%; no homozygotes.

Submissions (3):

PreventionGenetics, part of Exact Sciences
Classification: Likely benign for BBS10-related condition. Last evaluated: 2026-02-16. Review status: criteria provided, single submitter. Criteria: ACMG Guidelines, 2015. Collection method: clinical testing. Allele origin: germline.
Comment: This variant is classified as likely benign based on ACMG/AMP sequence variant interpretation guidelines (Richards et al. 2015 PMID: 25741868, with internal and published modifications).

Labcorp Genetics (formerly Invitae), Labcorp
Classification: Likely benign for Bardet-Biedl syndrome. Last evaluated: 2026-01-14. Review status: criteria provided, single submitter. Criteria: Invitae Variant Classification Sherloc (09022015). Collection method: clinical testing. Allele origin: germline.

Illumina Laboratory Services, Illumina
Classification: Uncertain significance for Bardet-Biedl syndrome 10. Last evaluated: 2018-01-13. Review status: criteria provided, single submitter. Criteria: ICSL Variant Classification Criteria 13 December 2019. Collection method: clinical testing. Allele origin: germline.

NM_024685.4(BBS10):c.270T>G (p.Leu90=)

Gene: BBS10 (Bardet-Biedl syndrome 10; minus strand). Cytogenetic location: 12q21.2.
Variant type: single nucleotide variant.
Coding change: c.270T>G on transcript NM_024685.4 (MANE Select); coding-DNA position 270, T replaced by G.
Protein change: p.Leu90=; no amino-acid change (leucine 90 retained).
Molecular consequence: synonymous variant.
Genome position (GRCh38, 1-based): chr12:76,347,715, A>C on the plus strand (T>G on the coding strand, the complement: BBS10 is on the minus strand). VCF-style: chr12-76347715-A-C. GRCh37 (hg19) VCF-style: chr12-76741495-A-C.
Identifiers: ClinVar variation 882268 (VCV000882268.13), dbSNP rs200390697, ClinGen allele CA6694376.